The following is an entry in ClinVar:

NM_020461.4(TUBGCP6):c.1490C>T (p.Thr497Ile)

Gene: TUBGCP6 (tubulin gamma complex component 6; minus strand). Cytogenetic location: 22q13.33.
Variant type: single nucleotide variant.
Coding change: c.1490C>T on transcript NM_020461.4 (MANE Select); coding-DNA position 1490, C replaced by T.
Protein change: p.Thr497Ile; replaces threonine 497 with isoleucine.
Molecular consequence: missense variant.
Genome position (GRCh38, 1-based): chr22:50,227,000, G>A on the plus strand (C>T on the coding strand, the complement: TUBGCP6 is on the minus strand). VCF-style: chr22-50227000-G-A. GRCh37 (hg19) VCF-style: chr22-50665429-G-A.
Other names: short protein forms T497I.
Identifiers: ClinVar variation 2008068 (VCV002008068.4), dbSNP rs765274070, ClinGen allele CA10308663.
Genomic context (GRCh38, chr22:50,227,000, plus strand): 5'-CCACCCCCGTTTCCTGGAGCCCACCAGGCTGACACACTCGGCAGGGACGCACAACTCACG[G>A]TGGGAAACGCGGCCCTGGGGCCTCCTCCACAGGTGCCCGGGAGCACAGCGCCAACGCCAC-3'
Protein context (NP_065194.3, residues 487-507): CGGGPRAAFP[Thr497Ile]GVKLLSYLYQ

ClinVar aggregate classification (germline): Uncertain significance (1 of 4 stars; one submission).

Allele frequency attached by ClinVar (database versions not stated): gnomAD 0.00001; gnomAD exomes 0.00001; ExAC 0.00002.
gnomAD v4.1: 5 of 1,611,650 alleles (0.00031%); highest among the groups gnomAD compares: Non-Finnish European, 0.00042%; no homozygotes.

Submission:

Labcorp Genetics (formerly Invitae), Labcorp
Classification: Uncertain significance. Last evaluated: 2022-07-06. Review status: criteria provided, single submitter. Criteria: Invitae Variant Classification Sherloc (09022015). Collection method: clinical testing. Allele origin: germline.
Comment: This sequence change replaces threonine, which is neutral and polar, with isoleucine, which is neutral and non-polar, at codon 497 of the TUBGCP6 protein (p.Thr497Ile). In summary, the available evidence is currently insufficient to determine the role of this variant in disease. Therefore, it has been classified as a Variant of Uncertain Significance. Algorithms developed to predict the effect of missense changes on protein structure and function are either unavailable or do not agree on the potential impact of this missense change (SIFT: "Deleterious"; PolyPhen-2: "Probably Damaging"; Align-GVGD: "Class C0"). This variant has not been reported in the literature in individuals affected with TUBGCP6-related conditions. This variant is present in population databases (rs765274070, gnomAD 0.01%).